The following is an entry in ClinVar:

ClinVar aggregate classification (germline): Uncertain significance (1 of 4 stars; one submission).

Allele frequency attached by ClinVar (database versions not stated): gnomAD 0.00001.
gnomAD v4.1: 26 of 1,613,374 alleles (0.0016%); highest among the groups gnomAD compares: East Asian, 0.0045%; no homozygotes.

Submission:

Labcorp Genetics (formerly Invitae), Labcorp
Classification: Uncertain significance. Last evaluated: 2024-10-18. Review status: criteria provided, single submitter. Criteria: Invitae Variant Classification Sherloc (09022015). Collection method: clinical testing. Allele origin: germline.
Comment: This sequence change replaces arginine, which is basic and polar, with tryptophan, which is neutral and slightly polar, at codon 1620 of the COL7A1 protein (p.Arg1620Trp). This variant is present in population databases (rs781705982, gnomAD 0.003%). This variant has not been reported in the literature in individuals affected with COL7A1-related conditions. ClinVar contains an entry for this variant (Variation ID: 1353953). Invitae Evidence Modeling of protein sequence and biophysical properties (such as structural, functional, and spatial information, amino acid conservation, physicochemical variation, residue mobility, and thermodynamic stability) has been performed for this missense variant. However, the output from this modeling did not meet the statistical confidence thresholds required to predict the impact of this variant on COL7A1 protein function. In summary, the available evidence is currently insufficient to determine the role of this variant in disease. Therefore, it has been classified as a Variant of Uncertain Significance.

NM_000094.4(COL7A1):c.4858C>T (p.Arg1620Trp)

Gene: COL7A1 (collagen type VII alpha 1 chain; minus strand). Cytogenetic location: 3p21.31.
Variant type: single nucleotide variant.
Coding change: c.4858C>T on transcript NM_000094.4 (MANE Select); coding-DNA position 4858, C replaced by T.
Protein change: p.Arg1620Trp; replaces arginine 1620 with tryptophan.
Molecular consequence: missense variant.
Genome position (GRCh38, 1-based): chr3:48,581,301, G>A on the plus strand (C>T on the coding strand, the complement: COL7A1 is on the minus strand). VCF-style: chr3-48581301-G-A. GRCh37 (hg19) VCF-style: chr3-48618734-G-A.
Other names: short protein forms R1620W.
Identifiers: ClinVar variation 1353953 (VCV001353953.7), dbSNP rs781705982, ClinGen allele CA2379808.
Genomic context (GRCh38, chr3:48,581,301, plus strand): 5'-CCCGACTCCAGCCTCTTACATCTCGTCCTCGGGGGCCAACAGGTCCTGGGGGGCCAGGCC[G>A]CCCAGGGTCTCCCTTCTCTCCAGGAGGCCCTGAGTCACCCTGTGGAGGAGGCAAGAGGGA-3'
Protein context (NP_000085.1, residues 1610-1630): GPPGEKGDPG[Arg1620Trp]PGPPGPVGPR